The following is an entry in ClinVar:

NM_001161352.2(KCNMA1):c.1096C>T (p.Arg366Cys)

Gene: KCNMA1 (potassium calcium-activated channel subfamily M alpha 1; minus strand). Cytogenetic location: 10q22.3.
Variant type: single nucleotide variant.
Coding change: c.1096C>T on transcript NM_001161352.2 (MANE Select); coding-DNA position 1096, C replaced by T.
Protein change: p.Arg366Cys; replaces arginine 366 with cysteine.
Molecular consequence: missense variant.
Genome position (GRCh38, 1-based): chr10:77,110,208, G>A on the plus strand (C>T on the coding strand, the complement: KCNMA1 is on the minus strand). VCF-style: chr10-77110208-G-A. GRCh37 (hg19) VCF-style: chr10-78869966-G-A.
Other names: c.1096C>T, p.Arg366Cys (NM_001014797.3, NM_001161353.2, NM_001271519.2 and 8 more transcripts); c.934C>T, p.Arg312Cys (NM_001271518.2); c.556C>T, p.Arg186Cys (NM_001322838.2); short protein forms R186C, R312C, R366C.
Identifiers: ClinVar variation 3602132 (VCV003602132.2), dbSNP rs1453880868.

ClinVar aggregate classification (germline): Uncertain significance (1 of 4 stars; one submission).

Conditions:
Epilepsy, idiopathic generalized, susceptibility to, 16. Identifiers: MedGen C5231421, MONDO:0032827, OMIM 618596.

gnomAD v4.1: 5 of 1,613,784 alleles (0.00031%); highest among the groups gnomAD compares: Admixed American, 0.0017%; no homozygotes.

Submission:

Institute of Human Genetics, University of Goettingen
Classification: Uncertain significance for Epilepsy, idiopathic generalized, susceptibility to, 16. Last evaluated: 2025-02-04. Review status: criteria provided, single submitter. Criteria: ACMG Guidelines, 2015. Collection method: clinical testing. Allele origin: unknown. Inheritance: Autosomal dominant inheritance. Observed: 1 heterozygote.
Comment: The NM_001161352.2(KCNMA1):​c.1096C>T​(p.Arg366Cys) variant causes a missense change involving the alteration of a conserved nucleotide. There is a large physicochemical difference between Arg and Cys. The variant allele was found at a frequency of 0.0000031 in 1,613,784 control chromosomes in the GnomAD database, with no homozygous occurrence. In-silico tool predicts a pathogenic outcome for this variant. 13/21 in silico tools predict a damaging outcome for this variant. No clinical diagnostic laboratories have submitted clinical-significance assessments for this variant to ClinVar. ACMG criteria used for classification: PM2_SUP, PP2, PP3.